The following is an entry in ClinVar:

NM_002354.3(EPCAM):c.517C>A (p.Arg173Ser)

Gene: EPCAM (epithelial cell adhesion molecule; plus strand). Cytogenetic location: 2p21.
Variant type: single nucleotide variant.
Coding change: c.517C>A on transcript NM_002354.3 (MANE Select); coding-DNA position 517, C replaced by A.
Protein change: p.Arg173Ser; replaces arginine 173 with serine.
Molecular consequence: missense variant.
Genome position (GRCh38, 1-based): chr2:47,377,039, C>A. VCF-style: chr2-47377039-C-A. GRCh37 (hg19) VCF-style: chr2-47604178-C-A.
Other names: short protein forms R173S.
Identifiers: ClinVar variation 1745838 (VCV001745838.3), dbSNP rs747286107, ClinGen allele CA346723990.

ClinVar aggregate classification (germline): Uncertain significance (1 of 4 stars; one submission).

Conditions:
Hereditary cancer-predisposing syndrome. Also called: Hereditary Cancer Syndrome; Neoplastic Syndromes, Hereditary; Tumor predisposition; Hereditary neoplastic syndrome. Identifiers: Orphanet 140162, MedGen C0027672, MeSH D009386, MONDO:0015356.

Submission:

Ambry Genetics
Classification: Uncertain significance for Hereditary cancer-predisposing syndrome. Last evaluated: 2025-04-12. Review status: criteria provided, single submitter. Criteria: Ambry Variant Classification Scheme 2023. Collection method: clinical testing. Allele origin: germline.
Comment: The p.R173S variant (also known as c.517C>A), located in coding exon 5 of the EPCAM gene, results from a C to A substitution at nucleotide position 517. The arginine at codon 173 is replaced by serine, an amino acid with dissimilar properties. This amino acid position is conserved. In addition, this alteration is predicted to be deleterious by in silico analysis. Since supporting evidence is limited at this time, the clinical significance of this alteration remains unclear.